The following is an entry in ClinVar:

ClinVar aggregate classification (germline): Likely pathogenic. Review status: criteria provided, multiple submitters, no conflicts (2 of 4 stars). 2 submissions from 2 submitters: Likely pathogenic (2). Last evaluated 2024-03-19.

Conditions:
Epidermolysis bullosa dystrophica. Also called: Dystrophic epidermolysis bullosa, Hallopeau-Siemens type (formerly); Dystrophic epidermolysis bullosa. Identifiers: Orphanet 303, MedGen C0079294, MONDO:0006543.
COL7A1-related disorder. Also called: COL7A1-related condition; COL7A1- related disorders.

Submissions (2):

Natera, Inc.
Classification: Likely pathogenic for Dystrophic epidermolysis bullosa. Last evaluated: 2024-03-19. Review status: criteria provided, single submitter. Criteria: Natera Variant Classification Schema (03/2026). Collection method: clinical testing. Allele origin: germline.
Comment: The c.8764delC variant in COL7A1 is a frameshift variant predicted to elongate the protein beyond the termination codon. This variant is expected to result in nonsense mediated decay, truncation, or a dysfunctional protein product. This variant is rare in the general population with a frequency below the threshold expected for the associated phenotype(s). Given the available evidence, this variant is classified as Likely Pathogenic.

Blueprint Genetics
Classification: Likely pathogenic for COL7A1-related disorders. Last evaluated: 2021-12-21. Review status: criteria provided, single submitter. Criteria: ACMG Guidelines, 2015. Collection method: clinical testing. Allele origin: germline. Affected: yes. Observed: 1 variant allele.

NM_000094.4(COL7A1):c.8764del (p.Arg2922fs)

Gene: COL7A1 (collagen type VII alpha 1 chain; minus strand). Cytogenetic location: 3p21.31.
Variant type: Deletion.
Coding change: c.8764del on transcript NM_000094.4 (MANE Select); coding-DNA position 8764, one base deleted (C; older notation c.8764delC).
Protein change: p.Arg2922fs; shifts the reading frame from arginine 2922.
Molecular consequence: frameshift variant.
Genome position (GRCh38, 1-based): chr3:48,564,837, G deleted on the plus strand (C on the coding strand, the reverse complement: COL7A1 is on the minus strand); the first of 3 consecutive G bases (chr3:48,564,837-48,564,839); deleting any one gives the same sequence. VCF-style (leftmost placement, unchanged base first): chr3-48564836-CG-C. GRCh37 (hg19) VCF-style: chr3-48602269-CG-C.
Other names: c.8764delC (NM_000094.3); short protein forms R2922fs.
Identifiers: ClinVar variation 4817411 (VCV004817411.2).